The following is an entry in ClinVar:

NM_000260.4(MYO7A):c.1710A>G (p.Arg570=)

Gene: MYO7A (myosin VIIA; plus strand). Cytogenetic location: 11q13.5.
Variant type: single nucleotide variant.
Coding change: c.1710A>G on transcript NM_000260.4 (MANE Select); coding-DNA position 1710, A replaced by G.
Protein change: p.Arg570=; no amino-acid change (arginine 570 retained).
Molecular consequence: synonymous variant.
Genome position (GRCh38, 1-based): chr11:77,166,075, A>G. VCF-style: chr11-77166075-A-G. GRCh37 (hg19) VCF-style: chr11-76877121-A-G.
Other names: c.1710A>G, p.Arg570= (NM_001127180.2); c.1677A>G, p.Arg559= (NM_001369365.1).
Identifiers: ClinVar variation 763179 (VCV000763179.15), dbSNP rs782763913, ClinGen allele CA6197575.

ClinVar aggregate classification (germline): Likely benign. Review status: criteria provided, multiple submitters, no conflicts (2 of 4 stars). 4 submissions from 4 submitters: Likely benign (2). 2 of the submissions do not count toward it. Last evaluated 2024-09-13.

Conditions:
MYO7A-related disorder. Also called: MYO7A-related disorders.
Usher syndrome type 1B (USH1B). Also called: Usher syndrome type IB. Identifiers: MedGen C1848638, MONDO:0700087.

Allele frequency attached by ClinVar (database versions not stated): gnomAD exomes below 0.00001 and 0.00002; gnomAD 0.00001; TOPMed 0.00002; ExAC 0.00003.
gnomAD v4.1: 9 of 1,613,698 alleles (0.00056%); highest among the groups gnomAD compares: East Asian, 0.011%; no homozygotes.

Submissions (4):

Labcorp Genetics (formerly Invitae), Labcorp
Classification: Likely benign. Last evaluated: 2024-09-13. Review status: criteria provided, single submitter. Criteria: Invitae Variant Classification Sherloc (09022015). Collection method: clinical testing. Allele origin: germline.

Blueprint Genetics
Classification: Likely benign. Last evaluated: 2024-06-14. Review status: criteria provided, single submitter. Criteria: ACMG Guidelines, 2015. Collection method: clinical testing. Allele origin: germline.

PreventionGenetics, part of Exact Sciences
Classification: Likely benign for MYO7A-related condition. Last evaluated: 2020-12-15. Review status: no assertion criteria provided. Collection method: clinical testing. Allele origin: germline. Not counted in ClinVar's aggregate classification.
Comment: This variant is classified as likely benign based on ACMG/AMP sequence variant interpretation guidelines (Richards et al. 2015 PMID: 25741868, with internal and published modifications).

Natera, Inc.
Classification: Uncertain significance for Usher syndrome type 1B. Last evaluated: 2020-04-16. Review status: no assertion criteria provided. Collection method: clinical testing. Allele origin: germline. Not counted in ClinVar's aggregate classification.